The following is an entry in ClinVar:

NM_001379500.1(COL18A1):c.3542G>A (p.Gly1181Asp)

Genes: COL18A1 (collagen type XVIII alpha 1 chain; plus strand), SLC19A1 (solute carrier family 19 member 1; minus strand). Cytogenetic location: 21q22.3.
Variant type: single nucleotide variant.
Coding change: c.3542G>A on transcript NM_001379500.1 (MANE Select); coding-DNA position 3542, G replaced by A.
Protein change: p.Gly1181Asp; replaces glycine 1181 with aspartic acid.
Molecular consequence: missense variant.
Genome position (GRCh38, 1-based): chr21:45,510,110, G>A. VCF-style: chr21-45510110-G-A. GRCh37 (hg19) VCF-style: chr21-46930024-G-A.
Other names: c.4073G>A, p.Gly1358Asp (NM_030582.4); c.4778G>A, p.Gly1593Asp (NM_130444.3); short protein forms G1593D, G1181D, G1358D.
Identifiers: ClinVar variation 2113168 (VCV002113168.4), dbSNP rs1275027041, ClinGen allele CA410501532.

ClinVar aggregate classification (germline): Uncertain significance (1 of 4 stars; one submission).

Submission:

Labcorp Genetics (formerly Invitae), Labcorp
Classification: Uncertain significance. Last evaluated: 2022-11-08. Review status: criteria provided, single submitter. Criteria: Invitae Variant Classification Sherloc (09022015). Collection method: clinical testing. Allele origin: germline.
Comment: This variant has not been reported in the literature in individuals affected with COL18A1-related conditions. In summary, the available evidence is currently insufficient to determine the role of this variant in disease. Therefore, it has been classified as a Variant of Uncertain Significance. Experimental studies and prediction algorithms are not available or were not evaluated, and the functional significance of this variant is currently unknown. This sequence change replaces glycine, which is neutral and non-polar, with aspartic acid, which is acidic and polar, at codon 1178 of the COL18A1 protein (p.Gly1178Asp). This variant is not present in population databases (gnomAD no frequency).